The following is an entry in ClinVar:

ClinVar aggregate classification (germline): Likely benign (1 of 4 stars; one submission).

Submission:

CeGaT Center for Human Genetics Tuebingen
Classification: Likely benign. Last evaluated: 2024-09-01. Review status: criteria provided, single submitter. Criteria: CeGaT Center For Human Genetics Tuebingen Variant Classification Criteria Version 2. Collection method: clinical testing. Allele origin: germline. Affected: yes. Observed: 1 variant allele.
Comment: BAG6: BP4, BP7

NM_001387994.1(BAG6):c.2061T>C (p.Pro687=)

Gene: BAG6 (BAG cochaperone 6; minus strand). Cytogenetic location: 6p21.33.
Variant type: single nucleotide variant.
Coding change: c.2061T>C on transcript NM_001387994.1 (MANE Select); coding-DNA position 2061, T replaced by C.
Protein change: p.Pro687=; no amino-acid change (proline 687 retained).
Molecular consequence: synonymous variant. On other transcripts: intron variant (1).
Genome position (GRCh38, 1-based): chr6:31,642,386, A>G on the plus strand (T>C on the coding strand, the complement: BAG6 is on the minus strand). VCF-style: chr6-31642386-A-G. GRCh37 (hg19) VCF-style: chr6-31610163-A-G.
Other names: c.1953T>C, p.Pro651= (NM_001388018.1, NM_080702.3, NM_080703.3 and 12 more transcripts); c.2058T>C, p.Pro686= (NM_001388019.1, NM_001387983.1, NM_001387988.1 and 5 more transcripts); c.2061T>C, p.Pro687= (NM_001388020.1, NM_001387943.1, NM_001387946.1 and 7 more transcripts); c.1661-86T>C (NM_001199697.2); c.1896T>C, p.Pro632= (NM_001387942.1, NM_001387963.1, NM_001388013.1); c.1899T>C, p.Pro633= (NM_001387944.1, NM_001387964.1, NM_001387982.1 and 2 more transcripts); c.1950T>C, p.Pro650= (NM_001387949.1, NM_001387955.1, NM_001387987.1 and 4 more transcripts); c.2007T>C, p.Pro669= (NM_001387958.1, NM_001387991.1, NM_001387992.1); and 5 more.
Identifiers: ClinVar variation 3388405 (VCV003388405.14).